The following is an entry in ClinVar:

NM_004380.3(CREBBP):c.1532A>T (p.Gln511Leu)

Gene: CREBBP (CREB binding lysine acetyltransferase; minus strand). Cytogenetic location: 16p13.3.
Variant type: single nucleotide variant.
Coding change: c.1532A>T on transcript NM_004380.3 (MANE Select); coding-DNA position 1532, A replaced by T.
Protein change: p.Gln511Leu; replaces glutamine 511 with leucine.
Molecular consequence: missense variant.
Genome position (GRCh38, 1-based): chr16:3,782,725, T>A on the plus strand (A>T on the coding strand, the complement: CREBBP is on the minus strand). VCF-style: chr16-3782725-T-A. GRCh37 (hg19) VCF-style: chr16-3832726-T-A.
Other names: c.1418A>T, p.Gln473Leu (NM_001079846.1); short protein forms Q473L, Q511L.
Identifiers: ClinVar variation 2629639 (VCV002629639.2), dbSNP rs2548443543, ClinGen allele CA394557299.

ClinVar aggregate classification (germline): Uncertain significance. Review status: criteria provided, multiple submitters, no conflicts (2 of 4 stars). 2 submissions from 2 submitters: Uncertain significance (2). Last evaluated 2025-06-15.

Conditions:
Rubinstein-Taybi syndrome (RSTS). Identifiers: Orphanet 783, MedGen C0035934, MONDO:0019188.
CREBBP-related disorder. Also called: CREBBP-related condition; CREBBP-related disorders.

Submissions (2):

Labcorp Genetics (formerly Invitae), Labcorp
Classification: Uncertain significance for Rubinstein-Taybi syndrome. Last evaluated: 2025-06-15. Review status: criteria provided, single submitter. Criteria: Invitae Variant Classification Sherloc (09022015). Collection method: clinical testing. Allele origin: germline.
Comment: This sequence change replaces glutamine, which is neutral and polar, with leucine, which is neutral and non-polar, at codon 511 of the CREBBP protein (p.Gln511Leu). This variant is not present in population databases (gnomAD no frequency). This variant has not been reported in the literature in individuals affected with CREBBP-related conditions. ClinVar contains an entry for this variant (Variation ID: 2629639). Invitae Evidence Modeling of protein sequence and biophysical properties (such as structural, functional, and spatial information, amino acid conservation, physicochemical variation, residue mobility, and thermodynamic stability) indicates that this missense variant is not expected to disrupt CREBBP protein function with a negative predictive value of 95%. In summary, the available evidence is currently insufficient to determine the role of this variant in disease. Therefore, it has been classified as a Variant of Uncertain Significance.

PreventionGenetics, part of Exact Sciences
Classification: Uncertain significance for CREBBP-related condition. Last evaluated: 2022-12-29. Review status: criteria provided, single submitter. Criteria: ACMG Guidelines, 2015. Collection method: clinical testing. Allele origin: germline.
Comment: The CREBBP c.1532A>T variant is predicted to result in the amino acid substitution p.Gln511Leu. To our knowledge, this variant has not been reported in the literature or in a large population database, indicating this variant is rare. At this time, the clinical significance of this variant is uncertain due to the absence of conclusive functional and genetic evidence.